The following is an entry in ClinVar:

ClinVar aggregate classification (germline): Likely benign (1 of 4 stars; one submission).

gnomAD v4.1: 1 of 1,614,132 alleles (0.000062%); highest among the groups gnomAD compares: Non-Finnish European, 0.000085%; no homozygotes.

Submission:

CeGaT Center for Human Genetics Tuebingen
Classification: Likely benign. Last evaluated: 2026-09-01. Review status: criteria provided, single submitter. Criteria: CeGaT Center For Human Genetics Tuebingen Variant Classification Criteria Version 2. Collection method: clinical testing. Allele origin: germline. Affected: yes. Observed: 1 variant allele.
Comment: DAG1: BP4, BP7

NM_004393.6(DAG1):c.768C>T (p.Ala256=)

Gene: DAG1 (dystroglycan 1; plus strand). Cytogenetic location: 3p21.31.
Variant type: single nucleotide variant.
Coding change: c.768C>T on transcript NM_004393.6 (MANE Select); coding-DNA position 768, C replaced by T.
Protein change: p.Ala256=; no amino-acid change (alanine 256 retained).
Molecular consequence: synonymous variant.
Genome position (GRCh38, 1-based): chr3:49,531,279, C>T. VCF-style: chr3-49531279-C-T. GRCh37 (hg19) VCF-style: chr3-49568712-C-T.
Other names: c.768C>T, p.Ala256= (NM_001165928.4, NM_001177634.3, NM_001177635.3 and 18 more transcripts).
Identifiers: ClinVar variation 5041515 (VCV005041515.1).